The following is an entry in ClinVar:

ClinVar aggregate classification (germline): Uncertain significance (1 of 4 stars; one submission).

gnomAD v4.1: 1 of 1,613,700 alleles (0.000062%); highest among the groups gnomAD compares: Admixed American, 0.0017%; no homozygotes.

Submission:

GeneDx
Classification: Uncertain significance. Last evaluated: 2025-05-30. Review status: criteria provided, single submitter. Criteria: GeneDx Variant Classification Process June 2021. Collection method: clinical testing. Allele origin: germline. Affected: yes.
Comment: Not observed at significant frequency in large population cohorts (gnomAD); In silico analysis suggests that this missense variant does not alter protein structure/function; Has not been previously published as pathogenic or benign to our knowledge

NM_015057.5(MYCBP2):c.7867G>A (p.Val2623Ile)

Gene: MYCBP2 (MYC binding protein 2; minus strand). Cytogenetic location: 13q22.3.
Variant type: single nucleotide variant.
Coding change: c.7867G>A on transcript NM_015057.5 (MANE Select); coding-DNA position 7867, G replaced by A.
Protein change: p.Val2623Ile; replaces valine 2623 with isoleucine.
Molecular consequence: missense variant.
Genome position (GRCh38, 1-based): chr13:77,126,335, C>T on the plus strand (G>A on the coding strand, the complement: MYCBP2 is on the minus strand). VCF-style: chr13-77126335-C-T. GRCh37 (hg19) VCF-style: chr13-77700470-C-T.
Other names: short protein forms V2623I.
Identifiers: ClinVar variation 4532746 (VCV004532746.1).
Genomic context (GRCh38, chr13:77,126,335, plus strand): 5'-AAAATGAGTATCTTAGAAGTCATGAAGCTACAAGAATCCATACCTCTCCCACTGCTTTGA[C>T]TTTGTTTCCCAGAACTAACATTCCAATTGGGATACCTCTAAGGTTAGGGCAGCTTCTGAT-3'
Protein context (NP_055872.4, residues 2613-2633): PIGMLVLGNK[Val2623Ile]KAVGEVTNSE